The following is an entry in ClinVar:

NM_000083.3(CLCN1):c.2596-1G>A

Gene: CLCN1 (chloride voltage-gated channel 1; plus strand). Cytogenetic location: 7q34.
Variant type: single nucleotide variant.
Coding change: c.2596-1G>A on transcript NM_000083.3 (MANE Select); the canonical splice acceptor site of the intron before coding-DNA position 2596, G replaced by A.
Molecular consequence: splice acceptor variant.
Genome position (GRCh38, 1-based): chr7:143,351,593, G>A. VCF-style: chr7-143351593-G-A. GRCh37 (hg19) VCF-style: chr7-143048686-G-A.
Identifiers: ClinVar variation 449534 (VCV000449534.18), dbSNP rs771721648, ClinGen allele CA4537751.

ClinVar aggregate classification (germline): Pathogenic/Likely pathogenic. Review status: criteria provided, multiple submitters, no conflicts (2 of 4 stars). 6 submissions from 6 submitters: Pathogenic (4); Likely pathogenic (2). Last evaluated 2025-11-05.

Conditions:
Congenital myotonia, autosomal recessive form. Also called: myotonia congenita, autosomal recessive; BECKER DISEASE; Becker Generalized Myotonia. Identifiers: Orphanet 614, MedGen C0751360, MONDO:0009715, OMIM 255700.
Congenital myotonia, autosomal dominant form (THD). Also called: THOMSEN DISEASE; Myotonia congenita autosomal dominant. Identifiers: Orphanet 614, MedGen C2936781, MONDO:0008055, OMIM 160800.

Allele frequency attached by ClinVar (database versions not stated): gnomAD exomes 0.00001 and 0.00002; ExAC 0.00002; gnomAD 0.00003; TOPMed 0.00004.
gnomAD v4.1: 11 of 1,613,530 alleles (0.00068%); highest among the groups gnomAD compares: African/African-American, 0.013%; no homozygotes.

Submissions (7):

GeneDx
Classification: Pathogenic. Last evaluated: 2025-11-05. Review status: criteria provided, single submitter. Criteria: GeneDx Variant Classification Process June 2021. Collection method: clinical testing. Allele origin: germline. Affected: yes.
Comment: Observed with a pathogenic variant in a patient with myotonia congenita in published literature, but it is not known whether the variants occurred on the same (in cis) or on different (in trans) chromosomes (PMID: 34529042); Canonical splice site variant predicted to result in an in-frame loss of the adjacent exon in a gene for which loss of function is a known mechanism of disease; Not observed at significant frequency in large population cohorts (gnomAD); This variant is associated with the following publications: (PMID: 17932099, 34529042, 31275557)

Labcorp Genetics (formerly Invitae), Labcorp
Classification: Pathogenic for Congenital myotonia, autosomal recessive form; Congenital myotonia, autosomal dominant form. Last evaluated: 2025-08-29. Review status: criteria provided, single submitter. Criteria: Invitae Variant Classification Sherloc (09022015). Collection method: clinical testing. Allele origin: germline.
Comment: This sequence change affects an acceptor splice site in intron 22 of the CLCN1 gene. While this variant is not anticipated to result in nonsense mediated decay, it likely alters RNA splicing and results in a disrupted protein product. This variant is present in population databases (rs771721648, gnomAD 0.02%). Disruption of this splice site has been observed in individual(s) with autosomal recessive myotonia congenita (PMID: 17932099; internal data). In at least one individual the data is consistent with being in trans (on the opposite chromosome) from a pathogenic variant. It has also been observed to segregate with disease in related individuals. ClinVar contains an entry for this variant (Variation ID: 449534). Variants that disrupt the consensus splice site are a relatively common cause of aberrant splicing (PMID: 17576681, 9536098). Algorithms developed to predict the effect of sequence changes on RNA splicing suggest that this variant may disrupt the consensus splice site. For these reasons, this variant has been classified as Pathogenic.

Mayo Clinic Laboratories, Mayo Clinic
Classification: Likely pathogenic. Last evaluated: 2025-07-23. Review status: criteria provided, single submitter. Criteria: ACMG Guidelines, 2015. Collection method: clinical testing. Allele origin: germline. Observed: 1 variant allele.
Comment: PM3, PVS1_strong

Fulgent Genetics
Classification: Pathogenic for Congenital myotonia, autosomal dominant form; Congenital myotonia, autosomal recessive form. Last evaluated: 2024-06-01. Review status: criteria provided, single submitter. Criteria: ACMG Guidelines, 2015. Collection method: clinical testing. Allele origin: germline.

Athena Diagnostics
Classification: Pathogenic. Last evaluated: 2023-03-09. Review status: criteria provided, single submitter. Criteria: Athena Diagnostics Criteria. Collection method: clinical testing. Allele origin: unknown.
Comment: The frequency of this variant in the general population is consistent with pathogenicity. This variant is not expected to cause loss of protein expression through nonsense-mediated decay, however, it is expected to severely disrupt protein function in this gene. This variant appears to segregate with disease in at least one family. In multiple individuals, this variant has been seen with a single recessive pathogenic variant in the same gene, suggesting this variant may also be pathogenic.

Revvity Omics, Revvity
Classification: Likely pathogenic. Last evaluated: 2021-11-28. Review status: criteria provided, single submitter. Criteria: ACMG Guidelines, 2015. Collection method: clinical testing. Allele origin: germline.

Dr. Peter K. Rogan Lab, Western University
No classification provided (evidence only). Condition: Colon adenocarcinoma. Review status: no classification provided. Collection method: in vitro. Allele origin: not applicable. Functional consequence: retained intron. Not counted in ClinVar's aggregate classification.

Literature cited by the submitters: PubMed 17932099 (cited by 3 submitters); PubMed 17576681 (cited by Labcorp Genetics (formerly Invitae), Labcorp); PubMed 9536098 (cited by Labcorp Genetics (formerly Invitae), Labcorp); PubMed 34529042 (cited by Mayo Clinic Laboratories, Mayo Clinic and Athena Diagnostics).